The following is an entry in ClinVar:

ClinVar aggregate classification (germline): Pathogenic/Likely pathogenic. Review status: criteria provided, multiple submitters, no conflicts (2 of 4 stars). 6 submissions from 6 submitters: Pathogenic (1); Likely pathogenic (5). Last evaluated 2026-01-16.

Conditions:
Glycine encephalopathy. Also called: Non-ketotic hyperglycinemia; Nonketotic hyperglycinemia. Identifiers: Orphanet 407, MedGen C0751748, MONDO:0011612, HP:0008288.
Glycine encephalopathy 1 (GCE1). Identifiers: MedGen CN376801, MONDO:0958179, OMIM 605899.

Allele frequency attached by ClinVar (database versions not stated): gnomAD exomes below 0.00001 and 0.00001; TOPMed below 0.00001; gnomAD 0.00001.
gnomAD v4.1: 5 of 1,613,196 alleles (0.00031%); highest among the groups gnomAD compares: Middle Eastern, 0.016%; no homozygotes.

Submissions (6):

Natera, Inc.
Classification: Likely pathogenic for Non-ketotic hyperglycinemia. Last evaluated: 2026-01-16. Review status: criteria provided, single submitter. Criteria: Natera Variant Classification Schema (03/2026). Collection method: clinical testing. Allele origin: germline.
Comment: The c.2498C>T variant in GLDC is a missense variant predicted to cause substitution of alanine to valine at amino acid 833. This variant is rare in the general population with a frequency below the threshold expected for the associated phenotype(s). This variant has been observed in one or more individuals affected with the associated recessive disease, as either homozygous or compound heterozygous with a second variant (PMID: 26179960). Functional studies show that this variant may disrupt protein function (PMID: 26179960). Computational prediction algorithms indicate this variant is likely to affect gene or protein function. Given the available evidence, this variant is classified as Likely Pathogenic.

Myriad Genetics, Inc.
Classification: Likely pathogenic for Glycine encephalopathy 1. Last evaluated: 2025-07-14. Review status: criteria provided, single submitter. Criteria: Myriad Autosomal Dominant, Autosomal Recessive and X-Linked Classification Criteria (2023). Collection method: clinical testing. Allele origin: unknown.
Comment: NM_000170.2(GLDC):c.2498C>T(A833V) is a missense variant classified as likely pathogenic in the context of glycine encephalopathy, GLDC-related. A833V has been observed in a case with relevant disease (PMID: 26179960). Relevant functional assessments of this variant are available in the literature (PMID: 26179960). Internal structural analysis of the variant is supportive of pathogenicity. A833V has been observed in referenced population frequency databases. In summary, NM_000170.2(GLDC):c.2498C>T(A833V) is a missense variant that has both functional and internal structural support for pathogenicity and has been observed more frequently in cases with the relevant disease than in healthy populations. Please note: this variant was assessed in the context of healthy population screening.

GeneDx
Classification: Likely pathogenic. Last evaluated: 2024-12-05. Review status: criteria provided, single submitter. Criteria: GeneDx Variant Classification Process June 2021. Collection method: clinical testing. Allele origin: germline. Affected: yes.
Comment: Identified with a second variant in a patient with nonketotic hyperglycinemia in published literature (PMID: 26179960); Published functional studies demonstrate a damaging effect: loss of enzymatic activity (PMID: 26179960); Not observed at significant frequency in large population cohorts (gnomAD); In silico analysis supports that this missense variant has a deleterious effect on protein structure/function; This variant is associated with the following publications: (PMID: 26179960)

Labcorp Genetics (formerly Invitae), Labcorp
Classification: Pathogenic for Glycine encephalopathy. Last evaluated: 2024-02-05. Review status: criteria provided, single submitter. Criteria: Invitae Variant Classification Sherloc (09022015). Collection method: clinical testing. Allele origin: germline.
Comment: This sequence change replaces alanine, which is neutral and non-polar, with valine, which is neutral and non-polar, at codon 833 of the GLDC protein (p.Ala833Val). This variant is present in population databases (no rsID available, gnomAD 0.006%). This missense change has been observed in individual(s) with glycine encephalopathy (PMID: 26179960). In at least one individual the data is consistent with being in trans (on the opposite chromosome) from a pathogenic variant. ClinVar contains an entry for this variant (Variation ID: 963265). Advanced modeling of protein sequence and biophysical properties (such as structural, functional, and spatial information, amino acid conservation, physicochemical variation, residue mobility, and thermodynamic stability) performed at Invitae indicates that this missense variant is expected to disrupt GLDC protein function with a positive predictive value of 80%. Experimental studies have shown that this missense change affects GLDC function (PMID: 26179960). For these reasons, this variant has been classified as Pathogenic.

Women's Health and Genetics/Laboratory Corporation of America, LabCorp
Classification: Likely pathogenic for Glycine encephalopathy. Last evaluated: 2023-01-06. Review status: criteria provided, single submitter. Criteria: LabCorp Variant Classification Summary - May 2015. Collection method: clinical testing. Allele origin: germline.
Comment: Variant summary: GLDC c.2498C>T (p.Ala833Val) results in a non-conservative amino acid change in the encoded protein sequence. Five of five in-silico tools predict a damaging effect of the variant on protein function. The variant allele was found at a frequency of 8e-06 in 251486 control chromosomes. The available data on variant occurrences in the general population are insufficient to allow any conclusion about variant significance. c.2498C>T has been reported in the literature in individuals affected with Glycine Encephalopathy (Non-Ketotic Hyperglycinemia) (e.g., Swanson_2015). Additionally, at least one publication reports experimental evidence evaluating an impact on protein function. The study found that a cell line expressing the variant protein displayed no measurable residual enzyme activity (Swanson_2015). Three ClinVar submitters (evaluation after 2014) have cited the variant, and all laboratories classified the variant as likely pathogenic. Based on the evidence outlined above, the variant was classified as likely pathogenic.

Fulgent Genetics
Classification: Likely pathogenic for Glycine encephalopathy 1. Last evaluated: 2022-04-15. Review status: criteria provided, single submitter. Criteria: ACMG Guidelines, 2015. Collection method: clinical testing. Allele origin: unknown.

Literature cited by the submitters: PubMed 26179960 (cited by 4 submitters); PubMed 27362913 (cited by Women's Health and Genetics/Laboratory Corporation of America, LabCorp); PubMed 32421718 (cited by Women's Health and Genetics/Laboratory Corporation of America, LabCorp).

NM_000170.3(GLDC):c.2498C>T (p.Ala833Val)

Gene: GLDC (glycine decarboxylase; minus strand). Cytogenetic location: 9p24.1.
Variant type: single nucleotide variant.
Coding change: c.2498C>T on transcript NM_000170.3 (MANE Select); coding-DNA position 2498, C replaced by T.
Protein change: p.Ala833Val; replaces alanine 833 with valine.
Molecular consequence: missense variant.
Genome position (GRCh38, 1-based): chr9:6,550,874, G>A on the plus strand (C>T on the coding strand, the complement: GLDC is on the minus strand). VCF-style: chr9-6550874-G-A. GRCh37 (hg19) VCF-style: chr9-6550874-G-A.
Other names: short protein forms A833V.
Identifiers: ClinVar variation 963265 (VCV000963265.23), dbSNP rs1275684568, ClinGen allele CA372876304.